The following is an entry in ClinVar:

NM_004006.3(DMD):c.774del (p.Lys259_Val260insTer)

Gene: DMD (dystrophin; minus strand). Cytogenetic location: Xp21.1.
Variant type: Deletion.
Coding change: c.774del on transcript NM_004006.3 (MANE Select); coding-DNA position 774, one base deleted (T; older notation c.774delT).
Protein change: p.Lys259_Val260insTer.
Molecular consequence: frameshift variant.
Genome position (GRCh38, 1-based): chrX:32,699,169, A deleted on the plus strand (T on the coding strand, the reverse complement: DMD is on the minus strand). VCF-style (leftmost placement, unchanged base first): chrX-32699168-TA-T. GRCh37 (hg19) VCF-style: chrX-32717285-TA-T.
Other names: c.750del, p.Lys251_Val252insTer (NM_000109.4); c.762del, p.Lys255_Val256insTer (NM_004009.3); c.405del, p.Lys136_Val137insTer (NM_004010.3).
Identifiers: ClinVar variation 3661797 (VCV003661797.2).

ClinVar aggregate classification (germline): Pathogenic (1 of 4 stars; one submission).

Conditions:
Duchenne muscular dystrophy (DMD). Also called: MUSCULAR DYSTROPHY, PSEUDOHYPERTROPHIC PROGRESSIVE, DUCHENNE TYPE; Duchenne Muscular Dystrophy (DMD). Identifiers: Orphanet 98896, MedGen C0013264, MONDO:0010679, OMIM 310200.

Submission:

Labcorp Genetics (formerly Invitae), Labcorp
Classification: Pathogenic for Duchenne muscular dystrophy. Last evaluated: 2024-08-08. Review status: criteria provided, single submitter. Criteria: Invitae Variant Classification Sherloc (09022015). Collection method: clinical testing. Allele origin: germline.
Comment: This sequence change creates a premature translational stop signal (p.Val260*) in the DMD gene. It is expected to result in an absent or disrupted protein product. Loss-of-function variants in DMD are known to be pathogenic (PMID: 16770791, 25007885). This variant is not present in population databases (gnomAD no frequency). This variant has not been reported in the literature in individuals affected with DMD-related conditions. For these reasons, this variant has been classified as Pathogenic.

Literature cited by the submitters: PubMed 16770791; PubMed 25007885.